The following is an entry in ClinVar:

NM_001194.4(HCN2):c.1346T>C (p.Ile449Thr)

Gene: HCN2 (hyperpolarization activated cyclic nucleotide gated potassium and sodium channel 2; plus strand). Cytogenetic location: 19p13.3.
Variant type: single nucleotide variant.
Coding change: c.1346T>C on transcript NM_001194.4 (MANE Select); coding-DNA position 1346, T replaced by C.
Protein change: p.Ile449Thr; replaces isoleucine 449 with threonine.
Molecular consequence: missense variant.
Genome position (GRCh38, 1-based): chr19:608,091, T>C. VCF-style: chr19-608091-T-C. GRCh37 (hg19) VCF-style: chr19-608091-T-C.
Other names: short protein forms I449T.
Identifiers: ClinVar variation 4075641 (VCV004075641.1).
Genomic context (GRCh38, chr19:608,091, plus strand): 5'-GGTACGGCCGGCAGGCGCCCGAGAGCATGACGGACATCTGGCTGACCATGCTCAGCATGA[T>C]TGTGGGTGCCACCTGCTACGCCATGTTCATCGGCCACGCCACTGCCCTCATCCAGTCGCT-3'
Protein context (NP_001185.3, residues 439-459): TDIWLTMLSM[Ile449Thr]VGATCYAMFI

ClinVar aggregate classification (germline): Uncertain significance (1 of 4 stars; one submission).

Submission:

GeneDx
Classification: Uncertain significance. Last evaluated: 2025-02-12. Review status: criteria provided, single submitter. Criteria: GeneDx Variant Classification Process June 2021. Collection method: clinical testing. Allele origin: germline. Affected: yes.
Comment: Not observed at significant frequency in large population cohorts (gnomAD); In silico analysis supports that this missense variant has a deleterious effect on protein structure/function; Has not been previously published as pathogenic or benign to our knowledge